The following is an entry in ClinVar:

NM_000518.5(HBB):c.*132C>A

Genes: HBB (hemoglobin subunit beta; minus strand), LOC107133510 (origin of replication at HBB; plus strand), LOC110006319 (beta-globin gene 3' regulatory region; plus strand). Cytogenetic location: 11p15.4.
Variant type: single nucleotide variant.
Coding change: c.*132C>A on transcript NM_000518.5 (MANE Select); 132 bases downstream of the stop codon, C replaced by A.
Molecular consequence: 3 prime UTR variant.
Genome position (GRCh38, 1-based): chr11:5,225,466, G>T on the plus strand (C>A on the coding strand, the complement: HBB is on the minus strand). VCF-style: chr11-5225466-G-T. GRCh37 (hg19) VCF-style: chr11-5246696-G-T.
Identifiers: ClinVar variation 1343492 (VCV001343492.6), dbSNP rs1420779550, ClinGen allele CA677551472.
Genomic context (GRCh38, chr11:5,225,466, plus strand): 5'-CACTGACCTCCCACATTCCCTTTTTAGTAAAATATTCAGAAATAATTTAAATACATCATT[G>T]CAATGAAAATAAATGTTTTTTATTAGGCAGAATCCAGATGCTCAAGGCCCTTCATAATAT-3'

ClinVar aggregate classification (germline): Uncertain significance. Review status: criteria provided, multiple submitters, no conflicts (2 of 4 stars). 4 submissions from 4 submitters: Uncertain significance (4). Last evaluated 2024-11-25.

Conditions:
Dominant beta-thalassemia. Also called: Beta-thalassemia, dominant inclusion body type. Identifiers: Orphanet 231226, Orphanet 848, MedGen C1858990, MONDO:0011381, OMIM 603902.
Malaria, susceptibility to. Identifiers: Orphanet 673, MedGen C1970028, MONDO:0021024, OMIM 611162.
Heinz body anemia. Also called: Heinz body hemolytic anemia. Identifiers: Orphanet 178330, MedGen C0700299, MONDO:0007705, OMIM 140700, HP:0005511.
METHEMOGLOBINEMIA, BETA TYPE. Also called: Methemoglobinemia, beta-globin type. Identifiers: MedGen C1840779, OMIM 617971.
Erythrocytosis, familial, 6. Also called: ERYTHROCYTOSIS, BETA-GLOBIN TYPE; POLYCYTHEMIA, BETA-GLOBIN TYPE. Identifiers: MedGen C4693822, MONDO:0054801, OMIM 617980.
Hereditary persistence of fetal hemoglobin. Identifiers: MedGen C0019025, MONDO:0020989, OMIM 141749.
Beta-thalassemia HBB/LCRB. Identifiers: MedGen CN322236, MONDO:0013517, OMIM 613985.
Hb SS disease (SCD). Also called: Hemoglobin SS; Sickle cell anemia; Sickle cell disease; HbS disease; Hemoglobin S Disease; Sickling disorder due to hemoglobin S. Identifiers: Orphanet 232, Orphanet 275752, MedGen C0002895, MONDO:0011382, OMIM 603903.

Allele frequency attached by ClinVar (database versions not stated): gnomAD 0.00006 and 0.00007; TOPMed 0.00008.
gnomAD v4.1: 15 of 850,534 alleles (0.0018%); highest among the groups gnomAD compares: Admixed American, 0.026%; no homozygotes.

Submissions (4):

Quest Diagnostics Nichols Institute San Juan Capistrano
Classification: Uncertain significance. Last evaluated: 2024-11-25. Review status: criteria provided, single submitter. Criteria: Quest Diagnostics criteria. Collection method: clinical testing. Allele origin: unknown.
Comment: The HBB c.*132C>A variant is located in the 3’-untranslated region (UTR) of the HBB gene, approximately 20 nucleotides downstream of the beta-globin mRNA polyadenylation site. In the published literature, this variant has been reported in individuals with beta-thalassemia intermedia who carried a beta(0)-thalassemia pathogenic variant on the opposite chromosome (PMIDs: 32142096 (2020), 11279660 (2001)). Two other variants at this position, c.*132C>T and c.*132C>G, have also been reported in compound heterozygous individuals with beta-thalassemia intermedia (PMIDs: 31930713 (2020), 22862814 (2013), 36876863 (2022)), suggesting a disruption of this nucleotide may be clinically significant. The frequency of this variant in the general population, 0.00065 (10/15284 chromosomes (Genome Aggregation Database)), is uninformative in the assessment of its pathogenicity. Based on the available information, we are unable to determine the clinical significance of this variant.

ARUP Laboratories, Molecular Genetics and Genomics, ARUP Laboratories
Classification: Uncertain significance. Last evaluated: 2024-09-06. Review status: criteria provided, single submitter. Criteria: ARUP Molecular Germline Variant Investigation Process 2024. Collection method: clinical testing. Allele origin: germline.
Comment: The HBB c.*132C>A variant (rs1420779550; ClinVar Variation ID: 1343492) is reported in the literature in several individuals affected with beta thalassemia intermedia that also carried a pathogenic HBB variant in trans (Heath 2001, Torre 2020). However, one of these individuals carried a second variant, c.*129T>C, in cis to the c.*132C>A variant (Heath 2001). The c.*132C>A variant is absent from the Genome Aggregation Database (v2.1.1), indicating it is not a common polymorphism. This variant occurs in the 3â€™UTR but does not affect the functionally important polyadenylation signal sequence. Another variant at the same nucleotide, c.*132C>T, has also been reported in individuals affected with beta thalassemia intermedia that carried pathogenic HBB variants in trans (Bilgen 2013, Sripusanapan 2020). However, given the lack of clinical and functional data, the significance of the c.*132C>A variant is uncertain at this time. References: Bilgen T et al. Two novel mutations in the 3' untranslated region of the beta-globin gene that are associated with the mild phenotype of beta thalassemia. Int J Lab Hematol. 2013 Feb;35(1):26-30. PMID: 22862814. Heath JA et al. A novel beta-thalassemia intermedia phenotype containing Nt494+129T-->C and NT494+132C-->A mutations in cis and a Nt168C-->T (beta(o) 39 point) mutation in trans. Am J Hematol. 2001 May;67(1):57-8. PMID: 11279660. Sripusanapan A et al. Compound heterozygosity of a silent beta-thalassemia mutation at the 3'-untranslated region (HBB: c.*132 C>T) and beta-zero thalassemia results in thalassemia intermedia. Pediatr Blood Cancer. 2020 Apr;67(4):e28157. PMID: 31930713. Torre LDCR et al. Three Mexican Families with beta thalassemia intermedia with different molecular basis. Genet Mol Biol. 2020 Feb 3;42(4):e20190032. PMID: 32142096.

Fulgent Genetics
Classification: Uncertain significance for Heinz body anemia; Hereditary persistence of fetal hemoglobin; Dominant beta-thalassemia; Hb SS disease; Malaria, susceptibility to; Beta-thalassemia HBB/LCRB; METHEMOGLOBINEMIA, BETA TYPE; Erythrocytosis, familial, 6. Last evaluated: 2024-04-24. Review status: criteria provided, single submitter. Criteria: ACMG Guidelines, 2015. Collection method: clinical testing. Allele origin: germline.

Women's Health and Genetics/Laboratory Corporation of America, LabCorp
Classification: Uncertain significance. Last evaluated: 2022-02-24. Review status: criteria provided, single submitter. Criteria: LabCorp Variant Classification Summary - May 2015. Collection method: clinical testing. Allele origin: germline.
Comment: Variant summary: HBB c.*132C>A is located in the untranslated mRNA region downstream of the termination codon. The variant lies about 20 nucleotides downstream to the known polyA-tail signal, and thus it would likely not interfere with cleavage of the transcript and addition of polyA tail, however it can still affect potential protein binding sites or miRNA target sites that may influence transcript expression levels. The variant allele was found at a frequency of 7.3e-05 in 150942 control chromosomes, predominantly within the Latino subpopulation at a frequency of 0.00065 in the gnomAD database (v3.1 genomes dataset). The available data on variant occurrences in the general population are insufficient to allow any conclusion about variant significance. The variant, c.*132C>A, has been reported in the literature in two compound heterozygous Hispanic individuals, who were affected with Beta Thalassemia Intermedia, and carried a beta-0 variant in trans (Heath_2001, Rizo-de-la-Torre_2020), however, one of these individuals also carried the variant c.*129T>C in cis with the c.*132C>A variant (Heath_2001). These data do not allow clear conclusions about variant significance. To our knowledge, no experimental evidence demonstrating an impact on protein function has been reported. However, another variant affecting the same nucleotide, c.*132C>T, has also been reported in individuals affected with Beta Thalassemia Intermedia (PMIDs: 22862814, 31930713), suggesting that variants affecting this 3' UTR region might have functional effect. No clinical diagnostic laboratories have submitted clinical-significance assessments for this variant to ClinVar after 2014. Based on the evidence outlined above, the variant was classified as VUS-possibly pathogenic.

Literature cited by the submitters: PubMed 11279660 (cited by Quest Diagnostics Nichols Institute San Juan Capistrano and Women's Health and Genetics/Laboratory Corporation of America, LabCorp); PubMed 32142096 (cited by Quest Diagnostics Nichols Institute San Juan Capistrano and Women's Health and Genetics/Laboratory Corporation of America, LabCorp).